The following is an entry in ClinVar:

ClinVar aggregate classification (germline): Uncertain significance (1 of 4 stars; one submission).

gnomAD v4.1: 3 of 1,613,782 alleles (0.00019%); highest among the groups gnomAD compares: Non-Finnish European, 0.00025%; no homozygotes.

Submission:

Labcorp Genetics (formerly Invitae), Labcorp
Classification: Uncertain significance. Last evaluated: 2022-01-12. Review status: criteria provided, single submitter. Criteria: Invitae Variant Classification Sherloc (09022015). Collection method: clinical testing. Allele origin: germline.
Comment: In summary, the available evidence is currently insufficient to determine the role of this variant in disease. Therefore, it has been classified as a Variant of Uncertain Significance. Algorithms developed to predict the effect of missense changes on protein structure and function are either unavailable or do not agree on the potential impact of this missense change (SIFT: "Tolerated"; PolyPhen-2: "Possibly Damaging"; Align-GVGD: "Class C0"). This variant has not been reported in the literature in individuals affected with EMC1-related conditions. This variant is not present in population databases (gnomAD no frequency). This sequence change replaces valine, which is neutral and non-polar, with alanine, which is neutral and non-polar, at codon 452 of the EMC1 protein (p.Val452Ala).

NM_015047.3(EMC1):c.1355T>C (p.Val452Ala)

Genes: EMC1 (ER membrane protein complex subunit 1; minus strand), EMC1-AS1 (EMC1 antisense RNA 1; plus strand). Cytogenetic location: 1p36.13.
Variant type: single nucleotide variant.
Coding change: c.1355T>C on transcript NM_015047.3 (MANE Select); coding-DNA position 1355, T replaced by C.
Protein change: p.Val452Ala; replaces valine 452 with alanine.
Molecular consequence: missense variant.
Genome position (GRCh38, 1-based): chr1:19,235,207, A>G on the plus strand (T>C on the coding strand, the complement: EMC1 is on the minus strand). VCF-style: chr1-19235207-A-G. GRCh37 (hg19) VCF-style: chr1-19561701-A-G.
Other names: c.1352T>C, p.Val451Ala (NM_001271427.2, NM_001271428.2, NM_001375821.1); c.1289T>C, p.Val430Ala (NM_001271429.2); c.1355T>C, p.Val452Ala (NM_001375820.1); short protein forms V452A, V430A, V451A.
Identifiers: ClinVar variation 1506693 (VCV001506693.8), dbSNP rs2151952199, ClinGen allele CA338764179.